The following is an entry in ClinVar:

NM_000059.4(BRCA2):c.6496G>A (p.Val2166Ile)

Gene: BRCA2 (BRCA2 DNA repair associated; plus strand). Cytogenetic location: 13q13.1.
Variant type: single nucleotide variant.
Coding change: c.6496G>A on transcript NM_000059.4 (MANE Select); coding-DNA position 6496, G replaced by A.
Protein change: p.Val2166Ile; replaces valine 2166 with isoleucine.
Molecular consequence: missense variant.
Genome position (GRCh38, 1-based): chr13:32,340,851, G>A. VCF-style: chr13-32340851-G-A. GRCh37 (hg19) VCF-style: chr13-32914988-G-A.
Other names: short protein forms V2166I.
Identifiers: ClinVar variation 826442 (VCV000826442.6), dbSNP rs750084851, ClinGen allele CA387789528.

ClinVar aggregate classification (germline): Conflicting classifications of pathogenicity. Review status: criteria provided, conflicting classifications (1 of 4 stars). 2 submissions from 2 submitters: Uncertain significance (1); Likely benign (1). Last evaluated 2023-03-23.

Conditions:
Hereditary cancer-predisposing syndrome. Also called: Neoplastic Syndromes, Hereditary; Tumor predisposition; Hereditary neoplastic syndrome; Hereditary Cancer Syndrome. Identifiers: Orphanet 140162, MedGen C0027672, MeSH D009386, MONDO:0015356.

Submissions (2):

University of Washington Department of Laboratory Medicine, University of Washington
Classification: Likely benign for Hereditary cancer-predisposing syndrome. Last evaluated: 2023-03-23. Review status: criteria provided, single submitter. Criteria: Dines et al. (Genet Med. 2020). Collection method: curation. Allele origin: germline.
Comment: Missense variant in a coldspot region where missense variants are very unlikely to be pathogenic (PMID:31911673).

BRCA2 exon 11 coldspot. Reclassification based on statistical prior probability.

Ambry Genetics
Classification: Uncertain significance for Hereditary cancer-predisposing syndrome. Last evaluated: 2018-06-26. Review status: criteria provided, single submitter. Criteria: Ambry Variant Classification Scheme 2023. Collection method: clinical testing. Allele origin: germline.
Comment: The p.V2166I variant (also known as c.6496G>A), located in coding exon 10 of the BRCA2 gene, results from a G to A substitution at nucleotide position 6496. The valine at codon 2166 is replaced by isoleucine, an amino acid with highly similar properties. This amino acid position is not well conserved in available vertebrate species. In addition, this alteration is predicted to be tolerated by in silico analysis. Since supporting evidence is limited at this time, the clinical significance of this alteration remains unclear.